The following is an entry in ClinVar:

NM_001144967.3(NEDD4L):c.1294A>G (p.Ser432Gly)

Gene: NEDD4L (NEDD4 like E3 ubiquitin protein ligase; plus strand). Cytogenetic location: 18q21.31.
Variant type: single nucleotide variant.
Coding change: c.1294A>G on transcript NM_001144967.3 (MANE Select); coding-DNA position 1294, A replaced by G.
Protein change: p.Ser432Gly; replaces serine 432 with glycine.
Molecular consequence: missense variant.
Genome position (GRCh38, 1-based): chr18:58,341,714, A>G. VCF-style: chr18-58341714-A-G. GRCh37 (hg19) VCF-style: chr18-56008946-A-G.
Other names: c.931A>G, p.Ser311Gly (NM_001144964.1, NM_001144965.2, NM_001144966.3); c.1270A>G, p.Ser424Gly (NM_001144968.2); c.1210A>G, p.Ser404Gly (NM_001144969.2); c.871A>G, p.Ser291Gly (NM_001144970.3, NM_001144971.2); c.1102A>G, p.Ser368Gly (NM_001243960.2); c.1234A>G, p.Ser412Gly (NM_015277.6); short protein forms S404G, S412G, S432G, S291G, S368G, S424G, S311G.
Identifiers: ClinVar variation 1484183 (VCV001484183.8), dbSNP rs1359587899, ClinGen allele CA402562518.
Genomic context (GRCh38, chr18:58,341,714, plus strand): 5'-AACTTGTTTTTGCCTCCAAAATAGCTTGCAGAAGATGGTGCGTCCGGATCAGCCACAAAC[A>G]GTAACAACCATCTAATCGAGCCTCAGATCCGCCGGCCTCGTAGCCTCAGCTCGCCAACAG-3'
Protein context (NP_001138439.1, residues 422-442): EDGASGSATN[Ser432Gly]NNHLIEPQIR

ClinVar aggregate classification (germline): Uncertain significance (1 of 4 stars; one submission).

Submission:

Labcorp Genetics (formerly Invitae), Labcorp
Classification: Uncertain significance. Last evaluated: 2021-04-03. Review status: criteria provided, single submitter. Criteria: Invitae Variant Classification Sherloc (09022015). Collection method: clinical testing. Allele origin: germline.
Comment: In summary, the available evidence is currently insufficient to determine the role of this variant in disease. Therefore, it has been classified as a Variant of Uncertain Significance. Algorithms developed to predict the effect of missense changes on protein structure and function are either unavailable or do not agree on the potential impact of this missense change (SIFT: "Deleterious"; PolyPhen-2: "Benign"; Align-GVGD: "Class C0"). This variant has not been reported in the literature in individuals with NEDD4L-related conditions. This variant is not present in population databases (ExAC no frequency). This sequence change replaces serine with glycine at codon 412 of the NEDD4L protein (p.Ser412Gly). The serine residue is moderately conserved and there is a small physicochemical difference between serine and glycine.